The following is an entry in ClinVar:

NM_181675.4(PPP2R2B):c.1206C>G (p.Asp402Glu)

Genes: PPP2R2B (protein phosphatase 2 regulatory subunit Bbeta; minus strand), PPP2R2B-AS2 (PPP2R2B antisense RNA 2; plus strand). Cytogenetic location: 5q32.
Variant type: single nucleotide variant.
Coding change: c.1206C>G on transcript NM_181675.4 (MANE Select); coding-DNA position 1206, C replaced by G.
Protein change: p.Asp402Glu; replaces aspartic acid 402 with glutamic acid.
Molecular consequence: missense variant.
Genome position (GRCh38, 1-based): chr5:146,590,073, G>C on the plus strand (C>G on the coding strand, the complement: PPP2R2B is on the minus strand). VCF-style: chr5-146590073-G-C. GRCh37 (hg19) VCF-style: chr5-145969636-G-C.
Other names: c.1224C>G, p.Asp408Glu (NM_001271899.1); c.1380C>G, p.Asp460Glu (NM_001271900.2); c.1173C>G, p.Asp391Glu (NM_001271948.2, NM_181678.2); c.1206C>G, p.Asp402Glu (NM_001428277.1, NM_001428279.1); c.1404C>G, p.Asp468Glu (NM_181674.3); c.1215C>G, p.Asp405Glu (NM_181676.3); c.1146C>G, p.Asp382Glu (NM_181677.2); short protein forms D382E, D391E, D402E, D405E, D408E, D460E, D468E.
Identifiers: ClinVar variation 4076565 (VCV004076565.1).
Genomic context (GRCh38, chr5:146,590,073, plus strand): 5'-AGGATGCCAAGCTGTATGCAAGATCTTTTTGCTAAAGTCCAGACTGTCGACACTGATCTC[G>C]TCTTTTCTCCGCTTGCCCCCCACACACACTTTTCGGGGTTTGAGGATAGCCCGGGGCTTG-3'
Protein context (NP_858061.3, residues 392-412): KVCVGGKRRK[Asp402Glu]EISVDSLDFS

ClinVar aggregate classification (germline): Uncertain significance (1 of 4 stars; one submission).

Submission:

GeneDx
Classification: Uncertain significance. Last evaluated: 2025-02-25. Review status: criteria provided, single submitter. Criteria: GeneDx Variant Classification Process June 2021. Collection method: clinical testing. Allele origin: germline. Affected: yes.
Comment: Not observed at significant frequency in large population cohorts (gnomAD); In silico analysis indicates that this missense variant does not alter protein structure/function; Has not been previously published as pathogenic or benign to our knowledge